The following is an entry in ClinVar:

NM_033551.3(LARP1):c.996_1005del (p.Ala333fs)

Gene: LARP1 (La ribonucleoprotein 1, translational regulator; plus strand). Cytogenetic location: 5q33.2.
Variant type: Deletion.
Coding change: c.996_1005del on transcript NM_033551.3 (MANE Select); coding-DNA positions 996 to 1005, 10 bases deleted (GGCGCGGGCT; older notation c.996_1005delGGCGCGGGCT).
Protein change: p.Ala333fs; shifts the reading frame from alanine 333.
Molecular consequence: frameshift variant. On other transcripts: intron variant (4).
Genome position (GRCh38, 1-based): chr5:154,793,927-154,793,936, GGCGCGGGCT deleted. VCF-style (leftmost placement, unchanged base first): chr5-154793926-GGGCGCGGGCT-G. GRCh37 (hg19) VCF-style: chr5-154173486-GGGCGCGGGCT-G.
Other names: c.381_390del, p.Ala128fs (NM_001367713.1, NM_001367714.1, NM_001367719.1); c.765_774del, p.Ala256fs (NM_015315.6); c.355+26_355+35del (NM_001367716.1); c.254-173_254-164del (NM_001367715.1); c.760+5_760+14del (NM_001367717.1); c.970+26_970+35del (NM_001367718.1); short protein forms A128fs, A256fs, A333fs.
Identifiers: ClinVar variation 4859131 (VCV004859131.1).

ClinVar aggregate classification (germline): Uncertain significance (1 of 4 stars; one submission).

Submission:

Ambry Genetics
Classification: Uncertain significance. Last evaluated: 2026-04-10. Review status: criteria provided, single submitter. Criteria: Ambry Variant Classification Scheme 2023. Collection method: clinical testing. Allele origin: germline.
Comment: The c.765_774del10 (p.A256Pfs*45) alteration, located in exon 6 (coding exon 6) of the LARP1 gene, consists of a deletion of 10 nucleotides from position 765 to 774, causing a translational frameshift with a predicted alternate stop codon after 45 amino acids. This variant is expected to result in premature protein truncation or nonsense-mediated mRNA decay. However, loss of function of LARP1 has not been established as a mechanism of disease. This variant was not reported in population-based cohorts in the Genome Aggregation Database (gnomAD). Based on insufficient or conflicting evidence, the clinical significance of this alteration remains unclear.